The following is an entry in ClinVar:

ClinVar aggregate classification (germline): Uncertain significance (1 of 4 stars; one submission).

Conditions:
BBS9-related disorder. Also called: BBS9-related condition.

Submission:

PreventionGenetics, part of Exact Sciences
Classification: Uncertain significance for BBS9-related condition. Last evaluated: 2024-11-06. Review status: criteria provided, single submitter. Criteria: ACMG Guidelines, 2015. Collection method: clinical testing. Allele origin: germline.
Comment: The BBS9 c.2137G>C variant is predicted to result in the amino acid substitution p.Val713Leu. To our knowledge, this variant has not been reported in the literature or in a large population database (gnomAD), indicating this variant is rare. At this time, the clinical significance of this variant is uncertain due to the absence of conclusive functional and genetic evidence.

NM_198428.3(BBS9):c.2137G>C (p.Val713Leu)

Gene: BBS9 (Bardet-Biedl syndrome 9; plus strand). Cytogenetic location: 7p14.3.
Variant type: single nucleotide variant.
Coding change: c.2137G>C on transcript NM_198428.3 (MANE Select); coding-DNA position 2137, G replaced by C.
Protein change: p.Val713Leu; replaces valine 713 with leucine.
Molecular consequence: missense variant. On other transcripts: non-coding transcript variant (3), intron variant (1).
Genome position (GRCh38, 1-based): chr7:33,505,484, G>C. VCF-style: chr7-33505484-G-C. GRCh37 (hg19) VCF-style: chr7-33545096-G-C.
Other names: c.2032G>C, p.Val678Leu (NM_001033604.2); c.2122G>C, p.Val708Leu (NM_001033605.2); c.2137G>C, p.Val713Leu (NM_001348036.1, NM_001348041.4, NM_001348043.3 and 1 more transcripts); c.1864G>C, p.Val622Leu (NM_001348038.3); c.1759G>C, p.Val587Leu (NM_001348039.3); c.2017G>C, p.Val673Leu (NM_001348040.3, NM_014451.4); c.2002G>C, p.Val668Leu (NM_001348042.3); c.1666G>C, p.Val556Leu (NM_001348044.3); and 2 more; short protein forms V591L, V622L, V668L, V673L, V713L, V556L, V678L, V708L.
Identifiers: ClinVar variation 4997185 (VCV004997185.1).